The following continues an entry in ClinVar:

NM_012452.3(TNFRSF13B):c.542C>A (p.Ala181Glu)

Gene: TNFRSF13B. ClinVar aggregate classification (germline): Conflicting classifications of pathogenicity. Pathogenic (14); Likely pathogenic (11); Likely benign (1).

Submissions 32 to 36 of 36:

Genome Diagnostics Laboratory, Amsterdam University Medical Center
Classification: Likely pathogenic. Review status: no assertion criteria provided. Collection method: clinical testing. Allele origin: germline. Affected: yes. Study: VKGL Data-share Consensus. Not counted in ClinVar's aggregate classification.

Genome Diagnostics Laboratory, University Medical Center Utrecht
Classification: Likely pathogenic. Review status: no assertion criteria provided. Collection method: clinical testing. Allele origin: germline. Affected: yes. Study: VKGL Data-share Consensus. Not counted in ClinVar's aggregate classification.

Joint Genome Diagnostic Labs from Nijmegen and Maastricht, Radboudumc and MUMC+
Classification: Likely pathogenic. Review status: no assertion criteria provided. Collection method: clinical testing. Allele origin: germline. Affected: yes. Study: VKGL Data-share Consensus. Not counted in ClinVar's aggregate classification.

Genesolutions, Medical Genetics Institutes, Ho Chi Minh City, Vietnam
Classification: Uncertain significance for Immunodeficiency, common variable, 2. Last evaluated: 2025-09-24. Review status: flagged submission. Criteria: ACMG Guidelines, 2015. Collection method: clinical testing. Allele origin: germline. Affected: yes. Not counted in ClinVar's aggregate classification.
ClinVar note: Reason: Outlier claim with insufficient supporting evidence

Revvity Omics, Revvity
Classification: Uncertain significance. Last evaluated: 2019-09-13. Review status: flagged submission. Criteria: ACMG Guidelines, 2015. Collection method: clinical testing. Allele origin: germline. Not counted in ClinVar's aggregate classification.
ClinVar note: Reason: Outlier claim with insufficient supporting evidence

Literature cited by the submitters: PubMed 33751038 (cited by Victorian Clinical Genetics Services, Murdoch Childrens Research Institute); PubMed 21419480 (cited by 7 submitters); PubMed 34210994 (cited by Victorian Clinical Genetics Services, Murdoch Childrens Research Institute); PubMed 27123465 (cited by Victorian Clinical Genetics Services, Murdoch Childrens Research Institute); PubMed 20156508 (cited by 7 submitters); PubMed 34441032 (cited by Victorian Clinical Genetics Services, Murdoch Childrens Research Institute); PubMed 32375967 (cited by Victorian Clinical Genetics Services, Murdoch Childrens Research Institute); PubMed 16007086 (cited by 4 submitters); PubMed 16007087 (cited by 7 submitters); PubMed 19605846 (cited by 8 submitters); PubMed 23237420 (cited by 5 submitters); PubMed 24051380 (cited by 3 submitters); PubMed 18981294 (cited by Center for Genomic Medicine, Rigshospitalet, Copenhagen University Hospital); PubMed 40959164 (cited by Center for Genomic Medicine, Rigshospitalet, Copenhagen University Hospital); PubMed 22884984 (cited by 5 submitters); PubMed 17392797 (cited by 4 submitters); PubMed 26100089 (cited by Mayo Clinic Laboratories, Mayo Clinic and AiLife Diagnostics); PubMed 35293001 (cited by Mayo Clinic Laboratories, Mayo Clinic); PubMed 35686370 (cited by Mayo Clinic Laboratories, Mayo Clinic); PubMed 35753512 (cited by Mayo Clinic Laboratories, Mayo Clinic); PubMed 19779048 (cited by Pittsburgh Clinical Genomics Laboratory, University of Pittsburgh Medical Center and Women's Health and Genetics/Laboratory Corporation of America, LabCorp); PubMed 21850030 (cited by AiLife Diagnostics); PubMed 34426522 (cited by AiLife Diagnostics); PubMed 33046446 (cited by AiLife Diagnostics); PubMed 33726816 (cited by AiLife Diagnostics); PubMed 27577878 (cited by AiLife Diagnostics); PubMed 30739909 (cited by AiLife Diagnostics); PubMed 32581362 (cited by AiLife Diagnostics); PubMed 17392798 (cited by OMIM).